The following is an entry in ClinVar:

ClinVar aggregate classification (germline): Uncertain significance (1 of 4 stars; one submission).

Submission:

Ambry Genetics
Classification: Uncertain significance. Last evaluated: 2025-12-22. Review status: criteria provided, single submitter. Criteria: Ambry Variant Classification Scheme 2023. Collection method: clinical testing. Allele origin: germline.
Comment: The c.1441G>A (p.A481T) alteration is located in exon 8 (coding exon 8) of the PPWD1 gene. This alteration results from a G to A substitution at nucleotide position 1441, causing the alanine (A) at amino acid position 481 to be replaced by a threonine (T). Based on data from gnomAD, the A allele has an overall frequency of 0.001% (3/251156) total alleles studied. The highest observed frequency was 0.016% (1/6128) of Other alleles. Based on insufficient or conflicting evidence, the clinical significance of this alteration remains unclear.

NM_015342.4(PPWD1):c.1441G>A (p.Ala481Thr)

Gene: PPWD1 (peptidylprolyl isomerase domain and WD repeat containing 1; plus strand). Cytogenetic location: 5q12.3.
Variant type: single nucleotide variant.
Coding change: c.1441G>A on transcript NM_015342.4 (MANE Select); coding-DNA position 1441, G replaced by A.
Protein change: p.Ala481Thr; replaces alanine 481 with threonine.
Molecular consequence: missense variant.
Genome position (GRCh38, 1-based): chr5:65,583,128, G>A. VCF-style: chr5-65583128-G-A. GRCh37 (hg19) VCF-style: chr5-64878955-G-A.
Other names: c.1351G>A, p.Ala451Thr (NM_001278926.2); c.1021G>A, p.Ala341Thr (NM_001278927.2); c.973G>A, p.Ala325Thr (NM_001278929.2); short protein forms A341T, A451T, A325T, A481T.
Identifiers: ClinVar variation 3217981 (VCV003217981.2), dbSNP rs928827700, ClinGen allele CA119824806.